The following is an entry in ClinVar:

ClinVar aggregate classification (germline): Uncertain significance (1 of 4 stars; one submission).

Conditions:
Brugada syndrome. Also called: Sudden unexplained nocturnal death syndrome; Sudden unexpected nocturnal death syndrome; Sudden Unexplained Death Syndrome; Sudden Unexplained Nocturnal Death Syndrome (SUNDS). Identifiers: Orphanet 130, MedGen C1142166, MONDO:0015263.

Submission:

Labcorp Genetics (formerly Invitae), Labcorp
Classification: Uncertain significance for Brugada syndrome. Last evaluated: 2023-07-24. Review status: criteria provided, single submitter. Criteria: Invitae Variant Classification Sherloc (09022015). Collection method: clinical testing. Allele origin: germline.
Comment: This variant has not been reported in the literature in individuals affected with CACNA2D1-related conditions. This sequence change replaces aspartic acid, which is acidic and polar, with tyrosine, which is neutral and polar, at codon 972 of the CACNA2D1 protein (p.Asp972Tyr). This variant is not present in population databases (gnomAD no frequency). An algorithm developed to predict the effect of missense changes on protein structure and function (PolyPhen-2) suggests that this variant is likely to be tolerated. In summary, the available evidence is currently insufficient to determine the role of this variant in disease. Therefore, it has been classified as a Variant of Uncertain Significance.

NM_000722.4(CACNA2D1):c.2914G>T (p.Asp972Tyr)

Gene: CACNA2D1 (calcium voltage-gated channel auxiliary subunit alpha2delta 1; minus strand). Cytogenetic location: 7q21.11.
Variant type: single nucleotide variant.
Coding change: c.2914G>T on transcript NM_000722.4 (MANE Select); coding-DNA position 2914, G replaced by T.
Protein change: p.Asp972Tyr; replaces aspartic acid 972 with tyrosine.
Molecular consequence: missense variant.
Genome position (GRCh38, 1-based): chr7:81,961,946, C>A on the plus strand (G>T on the coding strand, the complement: CACNA2D1 is on the minus strand). VCF-style: chr7-81961946-C-A. GRCh37 (hg19) VCF-style: chr7-81591262-C-A.
Other names: c.2950G>T, p.Asp984Tyr (NM_001366867.1); short protein forms D972Y, D984Y.
Identifiers: ClinVar variation 2838677 (VCV002838677.3), dbSNP rs776720930, ClinGen allele CA367882119.
Genomic context (GRCh38, chr7:81,961,946, plus strand): 5'-TAAATTACCTGGAACAGTTTCCACAGTCTAATACACCACTGAATGATTTACTGTCGTTAT[C>A]GAAGAAATACTGGGTTTGTTCAGTAATGCAGCTCTGCTTGGACAGGGAGGCCGTGAAGTC-3'
Protein context (NP_000713.2, residues 962-982): CITEQTQYFF[Asp972Tyr]NDSKSFSGVL